The following is an entry in ClinVar:

NM_004493.3(HSD17B10):c.284C>T (p.Ala95Val)

Gene: HSD17B10 (hydroxysteroid 17-beta dehydrogenase 10; minus strand). Cytogenetic location: Xp11.22.
Variant type: single nucleotide variant.
Coding change: c.284C>T on transcript NM_004493.3 (MANE Select); coding-DNA position 284, C replaced by T.
Protein change: p.Ala95Val; replaces alanine 95 with valine.
Molecular consequence: missense variant.
Genome position (GRCh38, 1-based): chrX:53,432,320, G>A on the plus strand (C>T on the coding strand, the complement: HSD17B10 is on the minus strand). VCF-style: chrX-53432320-G-A. GRCh37 (hg19) VCF-style: chrX-53459268-G-A.
Other names: c.284C>T, p.Ala95Val (NM_001037811.2); short protein forms A95V.
Identifiers: ClinVar variation 1021779 (VCV001021779.14), dbSNP rs781916823, ClinGen allele CA10421018.
Genomic context (GRCh38, chrX:53,432,320, plus strand): 5'-TGGAAGTCTTCCAAGGTATGGGTCTGGCCCTTCTTTAAGTTGTACGTCTTGCTAGCCACC[G>A]CGATGCCTGCACAGTTGACAGCTACATCCACACGGCCAAACTTTCCTTTTGCTAGAGCCA-3'
Protein context (NP_004484.1, residues 85-105): VDVAVNCAGI[Ala95Val]VASKTYNLKK

ClinVar aggregate classification (germline): Conflicting classifications of pathogenicity. Review status: criteria provided, conflicting classifications (1 of 4 stars). 2 submissions from 2 submitters: Uncertain significance (1); Likely benign (1). Last evaluated 2026-03-01.

Allele frequency attached by ClinVar (database versions not stated): ExAC 0.00001; gnomAD 0.00001; gnomAD exomes 0.00001; TOPMed 0.00001.

Submissions (2):

CeGaT Center for Human Genetics Tuebingen
Classification: Likely benign. Last evaluated: 2026-03-01. Review status: criteria provided, single submitter. Criteria: CeGaT Center For Human Genetics Tuebingen Variant Classification Criteria Version 2. Collection method: clinical testing. Allele origin: germline. Affected: yes. Observed: 1 variant allele.
Comment: HSD17B10: BS2

Labcorp Genetics (formerly Invitae), Labcorp
Classification: Uncertain significance. Last evaluated: 2020-01-14. Review status: criteria provided, single submitter. Criteria: Invitae Variant Classification Sherloc (09022015). Collection method: clinical testing. Allele origin: germline.
Comment: This variant has not been reported in the literature in individuals with HSD17B10-related conditions. In summary, the available evidence is currently insufficient to determine the role of this variant in disease. Therefore, it has been classified as a Variant of Uncertain Significance. Algorithms developed to predict the effect of missense changes on protein structure and function are either unavailable or do not agree on the potential impact of this missense change (SIFT: "Tolerated"; PolyPhen-2: "Possibly Damaging"; Align-GVGD: "Class C0"). This variant is present in population databases (rs781916823, ExAC 0.02%). This sequence change replaces alanine with valine at codon 95 of the HSD17B10 protein (p.Ala95Val). The alanine residue is highly conserved and there is a small physicochemical difference between alanine and valine.